The following is an entry in ClinVar:

ClinVar aggregate classification (germline): Uncertain significance (1 of 4 stars; one submission).

gnomAD v4.1: 70 of 1,593,174 alleles (0.0044%); highest among the groups gnomAD compares: South Asian, 0.0066%; no homozygotes.

Submission:

GeneDx
Classification: Uncertain significance. Last evaluated: 2024-07-22. Review status: criteria provided, single submitter. Criteria: GeneDx Variant Classification Process June 2021. Collection method: clinical testing. Allele origin: germline. Affected: yes.
Comment: Not observed at significant frequency in large population cohorts (gnomAD); In silico analysis supports that this missense variant has a deleterious effect on protein structure/function; Has not been previously published as pathogenic or benign to our knowledge

NM_001378609.3(OTOGL):c.2861G>A (p.Arg954Gln)

Gene: OTOGL (otogelin like; plus strand). Cytogenetic location: 12q21.31.
Variant type: single nucleotide variant.
Coding change: c.2861G>A on transcript NM_001378609.3 (MANE Select); coding-DNA position 2861, G replaced by A.
Protein change: p.Arg954Gln; replaces arginine 954 with glutamine.
Molecular consequence: missense variant.
Genome position (GRCh38, 1-based): chr12:80,279,099, G>A. VCF-style: chr12-80279099-G-A. GRCh37 (hg19) VCF-style: chr12-80672879-G-A.
Other names: c.2861G>A, p.Arg954Gln (NM_001368062.3, NM_001378610.3, NM_173591.7); short protein forms R954Q.
Identifiers: ClinVar variation 3600790 (VCV003600790.1).